The following is an entry in ClinVar:

NM_007327.4(GRIN1):c.1468-17G>C

Gene: GRIN1 (glutamate ionotropic receptor NMDA type subunit 1; plus strand). Cytogenetic location: 9q34.3.
Variant type: single nucleotide variant.
Coding change: c.1468-17G>C on transcript NM_007327.4 (MANE Select); 17 bases into the intron before coding-DNA position 1468, G replaced by C.
Molecular consequence: intron variant.
Genome position (GRCh38, 1-based): chr9:137,161,907, G>C. VCF-style: chr9-137161907-G-C. GRCh37 (hg19) VCF-style: chr9-140056359-G-C.
Other names: c.1531-17G>C (NM_001185090.2, NM_001185091.2); c.1468-17G>C (NM_021569.4, NM_000832.7).
Identifiers: ClinVar variation 518068 (VCV000518068.4), dbSNP rs750423610, ClinGen allele CA658797383.
Genomic context (GRCh38, chr9:137,161,907, plus strand): 5'-CGGCTTCAGTCGGGGGTACCTGTGGCGGGAGCTGGGAGGACGCTGCCTGCATGCCCGCCG[G>C]CTCTGTCGCCTCGCAGGTGAACAACAGCAACAAGAAGGAGTGGAATGGGATGATGGGCGA-3'

ClinVar aggregate classification (germline): Likely benign. Review status: criteria provided, multiple submitters, no conflicts (2 of 4 stars). 2 submissions from 2 submitters: Likely benign (2). Last evaluated 2023-12-27.

Conditions:
Neurodevelopmental disorder with or without hyperkinetic movements and seizures, autosomal dominant. Also called: Intellectual disability, autosomal dominant 8. Identifiers: MedGen C3280282, MONDO:0013655, OMIM 614254.

Allele frequency attached by ClinVar (database versions not stated): gnomAD exomes below 0.00001.
gnomAD v4.1: 1 of 1,551,526 alleles (0.000064%); highest among the groups gnomAD compares: South Asian, 0.0012%; no homozygotes.

Submissions (2):

Labcorp Genetics (formerly Invitae), Labcorp
Classification: Likely benign for Neurodevelopmental disorder with or without hyperkinetic movements and seizures, autosomal dominant. Last evaluated: 2023-12-27. Review status: criteria provided, single submitter. Criteria: Invitae Variant Classification Sherloc (09022015). Collection method: clinical testing. Allele origin: germline.

GeneDx
Classification: Likely benign. Last evaluated: 2017-06-19. Review status: criteria provided, single submitter. Criteria: GeneDx Variant Classification (06012015). Collection method: clinical testing. Allele origin: germline. Affected: yes.
Comment: This variant is considered likely benign or benign based on one or more of the following criteria: it is a conservative change, it occurs at a poorly conserved position in the protein, it is predicted to be benign by multiple in silico algorithms, and/or has population frequency not consistent with disease.